The following is an entry in ClinVar:

NM_001365951.3(KIF1B):c.430-15C>G

Gene: KIF1B (kinesin family member 1B; plus strand). Cytogenetic location: 1p36.22.
Variant type: single nucleotide variant.
Coding change: c.430-15C>G on transcript NM_001365951.3 (MANE Select); 15 bases into the intron before coding-DNA position 430, C replaced by G.
Molecular consequence: intron variant.
Genome position (GRCh38, 1-based): chr1:10,267,365, C>G. VCF-style: chr1-10267365-C-G. GRCh37 (hg19) VCF-style: chr1-10327423-C-G.
Other names: c.430-15C>G (NM_183416.4, NM_015074.3, NM_001365952.1 and 1 more transcripts).
Identifiers: ClinVar variation 2050286 (VCV002050286.5), dbSNP rs368307458, ClinGen allele CA580713.

ClinVar aggregate classification (germline): Conflicting classifications of pathogenicity. Review status: criteria provided, conflicting classifications (1 of 4 stars). 2 submissions from 2 submitters: Uncertain significance (1); Likely benign (1). Last evaluated 2025-10-13.

Conditions:
Pheochromocytoma. Also called: MAX-Related Hereditary Paraganglioma-Pheochromocytoma Syndrome. Identifiers: Orphanet 29072, MedGen C0031511, MONDO:0008233, OMIM 171300, HP:0002666.
Charcot-Marie-Tooth disease type 2. Also called: Charcot-Marie-Tooth type 2. Identifiers: Orphanet 64746, MedGen C0270914, MONDO:0018993.

Allele frequency attached by ClinVar (database versions not stated): ExAC 0.00002; TOPMed 0.00003; ESP Exome Variant Server 0.00008.
gnomAD v4.1: 8 of 1,612,394 alleles (0.0005%); highest among the groups gnomAD compares: African/African-American, 0.008%; no homozygotes.

Submissions (2):

Labcorp Genetics (formerly Invitae), Labcorp
Classification: Likely benign for Charcot-Marie-Tooth disease type 2. Last evaluated: 2025-10-13. Review status: criteria provided, single submitter. Criteria: Invitae Variant Classification Sherloc (09022015). Collection method: clinical testing. Allele origin: germline.

St. Jude Molecular Pathology, St. Jude Children's Research Hospital
Classification: Uncertain significance for Pheochromocytoma. Last evaluated: 2024-08-24. Review status: criteria provided, single submitter. Criteria: St. Jude Assertion Criteria 2020. Collection method: clinical testing. Allele origin: germline.
Comment: The KIF1B c.430-15C>G intronic change results in a C to G substitution at the -15 position of intron 5 of the KIF1B gene. Algorithms that predict the impact of sequence changes on splicing are not conclusive as to whether this variant impacts splicing. This variant has a maximum subpopulation frequency of 0.02% in gnomAD v2.1.1. To our knowledge, this variant has not been reported in individuals with pheochromocytoma or neuroblastoma. In summary, the evidence currently available is insufficient to determine the clinical significance of this variant. It has therefore been classified as of uncertain significance.